The following is an entry in ClinVar:

ClinVar aggregate classification (germline): Likely benign. Review status: criteria provided, multiple submitters, no conflicts (2 of 4 stars). 3 submissions from 3 submitters: Likely benign (3). Last evaluated 2025-03-11.

Conditions:
Inborn genetic diseases. Identifiers: MedGen C0950123, MeSH D030342.

Allele frequency attached by ClinVar (database versions not stated): TOPMed below 0.00001; gnomAD exomes 0.00001.
gnomAD v4.1: 7 of 1,614,008 alleles (0.00043%); highest among the groups gnomAD compares: Non-Finnish European, 0.00059%; no homozygotes.

Submissions (3):

Labcorp Genetics (formerly Invitae), Labcorp
Classification: Likely benign. Last evaluated: 2025-03-11. Review status: criteria provided, single submitter. Criteria: Invitae Variant Classification Sherloc (09022015). Collection method: clinical testing. Allele origin: germline.

CeGaT Center for Human Genetics Tuebingen
Classification: Likely benign. Last evaluated: 2022-09-01. Review status: criteria provided, single submitter. Criteria: CeGaT Center For Human Genetics Tuebingen Variant Classification Criteria Version 2. Collection method: clinical testing. Allele origin: germline. Affected: yes. Observed: 1 variant allele.
Comment: ATR: PM2:Supporting, BP4, BP7

Ambry Genetics
Classification: Likely benign for Inborn genetic diseases. Last evaluated: 2022-05-24. Review status: criteria provided, single submitter. Criteria: Ambry Variant Classification Scheme 2023. Collection method: clinical testing. Allele origin: germline.

NM_001184.4(ATR):c.7347A>G (p.Ser2449=)

Gene: ATR (ATR checkpoint kinase; minus strand). Cytogenetic location: 3q23.
Variant type: single nucleotide variant.
Coding change: c.7347A>G on transcript NM_001184.4 (MANE Select); coding-DNA position 7347, A replaced by G.
Protein change: p.Ser2449=; no amino-acid change (serine 2449 retained).
Molecular consequence: synonymous variant.
Genome position (GRCh38, 1-based): chr3:142,459,229, T>C on the plus strand (A>G on the coding strand, the complement: ATR is on the minus strand). VCF-style: chr3-142459229-T-C. GRCh37 (hg19) VCF-style: chr3-142178071-T-C.
Other names: c.7155A>G, p.Ser2385= (NM_001354579.2).
Identifiers: ClinVar variation 1758429 (VCV001758429.27), dbSNP rs904051578, ClinGen allele CA84726445.